The following is an entry in ClinVar:

NM_000257.4(MYH7):c.2449A>T (p.Asn817Tyr)

Genes: MYH7 (myosin heavy chain 7; minus strand), LOC126861898 (BRD4-independent group 4 enhancer GRCh37_chr14:23893609-23894808; plus strand). Cytogenetic location: 14q11.2.
Variant type: single nucleotide variant.
Coding change: c.2449A>T on transcript NM_000257.4 (MANE Select); coding-DNA position 2449, A replaced by T.
Protein change: p.Asn817Tyr; replaces asparagine 817 with tyrosine.
Molecular consequence: missense variant.
Genome position (GRCh38, 1-based): chr14:23,424,999, T>A on the plus strand (A>T on the coding strand, the complement: MYH7 is on the minus strand). VCF-style: chr14-23424999-T-A. GRCh37 (hg19) VCF-style: chr14-23894208-T-A.
Other names: c.2449A>T, p.Asn817Tyr (NM_001407004.1); short protein forms N817Y.
Identifiers: ClinVar variation 5018229 (VCV005018229.1).
Genomic context (GRCh38, chr14:23,424,999, plus strand): 5'-TGATCTTGAAGTAGAGCTTCATCCAGGGCCAATTCTTGACCCCCATGAAGGCCCGAATGT[T>A]CCACTGGATTACCAGCAGGGAGTCTCTGCAGGGGCCCATTGAAAGGAGTGCTGAGCCTCC-3'
Protein context (NP_000248.2, residues 807-827): RRDSLLVIQW[Asn817Tyr]IRAFMGVKNW

ClinVar aggregate classification (germline): Uncertain significance (1 of 4 stars; one submission).

Submission:

GeneDx
Classification: Uncertain significance. Last evaluated: 2026-04-05. Review status: criteria provided, single submitter. Criteria: GeneDx Variant Classification Process June 2021. Collection method: clinical testing. Allele origin: germline.
Comment: Not observed at significant frequency in large population cohorts (gnomAD); In silico analysis supports that this missense variant has a deleterious effect on protein structure/function; Has not been previously published as pathogenic or benign to our knowledge; This variant is associated with the following publications: (PMID: 27532257, 29300372)